The following is an entry in ClinVar:

NM_001003800.2(BICD2):c.1590C>A (p.Phe530Leu)

Gene: BICD2 (BICD cargo adaptor 2; minus strand). Cytogenetic location: 9q22.31.
Variant type: single nucleotide variant.
Coding change: c.1590C>A on transcript NM_001003800.2 (MANE Select); coding-DNA position 1590, C replaced by A.
Protein change: p.Phe530Leu; replaces phenylalanine 530 with leucine.
Molecular consequence: missense variant.
Genome position (GRCh38, 1-based): chr9:92,719,055, G>T on the plus strand (C>A on the coding strand, the complement: BICD2 is on the minus strand). VCF-style: chr9-92719055-G-T. GRCh37 (hg19) VCF-style: chr9-95481337-G-T.
Other names: c.1590C>A, p.Phe530Leu (NM_015250.4); short protein forms F530L.
Identifiers: ClinVar variation 1411581 (VCV001411581.6), dbSNP rs1472200920, ClinGen allele CA374036960.
Genomic context (GRCh38, chr9:92,719,055, plus strand): 5'-GTTGGGTGTCTCATTGTTGCACATGCACACGTGGTGGTAGAGATTGGCCAGCTCCTCACT[G>T]AAGGTCACCAGCTCATCCTGGGCCACACTCAGGCTGCCCTGTGTCTCGCCGGCGACGTCG-3'
Protein context (NP_001003800.1, residues 520-540): LSVAQDELVT[Phe530Leu]SEELANLYHH

ClinVar aggregate classification (germline): Uncertain significance (1 of 4 stars; one submission).

Conditions:
Autosomal dominant childhood-onset proximal spinal muscular atrophy with contractures (SMALED2A). Also called: SPINAL MUSCULAR ATROPHY, LOWER EXTREMITY-PREDOMINANT, 2A, CHILDHOOD ONSET, AUTOSOMAL DOMINANT; Spinal muscular atrophy, lower extremity-predominant, 2A, autosomal dominant. Identifiers: Orphanet 363447, Orphanet 363454, MedGen C4747715, MONDO:0014121, OMIM 615290.

Allele frequency attached by ClinVar (database versions not stated): gnomAD 0.00001; gnomAD exomes 0.00001; TOPMed 0.00002.
gnomAD v4.1: 16 of 1,612,854 alleles (0.00099%); highest among the groups gnomAD compares: Non-Finnish European, 0.0014%; no homozygotes.

Submission:

Labcorp Genetics (formerly Invitae), Labcorp
Classification: Uncertain significance for Autosomal dominant childhood-onset proximal spinal muscular atrophy with contractures. Last evaluated: 2022-02-05. Review status: criteria provided, single submitter. Criteria: Invitae Variant Classification Sherloc (09022015). Collection method: clinical testing. Allele origin: germline.
Comment: In summary, the available evidence is currently insufficient to determine the role of this variant in disease. Therefore, it has been classified as a Variant of Uncertain Significance. This sequence change replaces phenylalanine, which is neutral and non-polar, with leucine, which is neutral and non-polar, at codon 530 of the BICD2 protein (p.Phe530Leu). This variant is not present in population databases (gnomAD no frequency). This variant has not been reported in the literature in individuals affected with BICD2-related conditions. Advanced modeling of protein sequence and biophysical properties (such as structural, functional, and spatial information, amino acid conservation, physicochemical variation, residue mobility, and thermodynamic stability) performed at Invitae indicates that this missense variant is not expected to disrupt BICD2 protein function.